The following is an entry in ClinVar:

ClinVar aggregate classification (germline): Uncertain significance (1 of 4 stars; one submission).

Conditions:
Cardiomyopathy (CMYO). Also called: Cardiomyopathies. Identifiers: Orphanet 167848, MedGen C0878544, MONDO:0004994, HP:0001638. Inheritance: Various modes of inheritance.

Submission:

Color Diagnostics, LLC DBA Color Health
Classification: Uncertain significance for Cardiomyopathy. Last evaluated: 2025-09-14. Review status: criteria provided, single submitter. Criteria: ACMG Guidelines, 2015. Collection method: clinical testing. Allele origin: germline.
Comment: This missense variant replaces serine with glycine at codon 4537 of the RYR2 protein. Computational prediction suggests that this variant may not impact protein structure and function. To our knowledge, functional studies have not been reported for this variant. This variant has not been reported in individuals affected with RYR2-related disorders in the literature. This variant has not been identified in the general population by the Genome Aggregation Database (gnomAD). The available evidence is insufficient to determine the role of this variant in disease conclusively. Therefore, this variant is classified as a Variant of Uncertain Significance.

NM_001035.3(RYR2):c.13609A>G (p.Ser4537Gly)

Gene: RYR2 (ryanodine receptor 2; plus strand). Cytogenetic location: 1q43.
Variant type: single nucleotide variant.
Coding change: c.13609A>G on transcript NM_001035.3 (MANE Select); coding-DNA position 13609, A replaced by G.
Protein change: p.Ser4537Gly; replaces serine 4537 with glycine.
Molecular consequence: missense variant.
Genome position (GRCh38, 1-based): chr1:237,792,150, A>G. VCF-style: chr1-237792150-A-G. GRCh37 (hg19) VCF-style: chr1-237955450-A-G.
Other names: short protein forms S4537G.
Identifiers: ClinVar variation 4756554 (VCV004756554.1).